The following is an entry in ClinVar:

ClinVar aggregate classification (germline): Pathogenic (1 of 4 stars; one submission).

Conditions:
T-B+ severe combined immunodeficiency due to JAK3 deficiency. Also called: SCID, autosomal recessive, T-negative/B-positive type; SCID, T CELL-NEGATIVE, B CELL-POSITIVE, NK CELL-NEGATIVE. Identifiers: Orphanet 35078, MedGen C1833275, MONDO:0010938, OMIM 600802.

Submission:

Labcorp Genetics (formerly Invitae), Labcorp
Classification: Pathogenic for T-B+ severe combined immunodeficiency due to JAK3 deficiency. Last evaluated: 2025-05-28. Review status: criteria provided, single submitter. Criteria: Invitae Variant Classification Sherloc (09022015). Collection method: clinical testing. Allele origin: germline.
Comment: This sequence change creates a premature translational stop signal (p.Arg222Trpfs*76) in the JAK3 gene. It is expected to result in an absent or disrupted protein product. Loss-of-function variants in JAK3 are known to be pathogenic (PMID: 7481768, 11668621). This variant is not present in population databases (gnomAD no frequency). This variant has not been reported in the literature in individuals affected with JAK3-related conditions. ClinVar contains an entry for this variant (Variation ID: 2767886). For these reasons, this variant has been classified as Pathogenic.

Literature cited by the submitters: PubMed 7481768; PubMed 11668621.

NM_000215.4(JAK3):c.664_670del (p.Arg222fs)

Gene: JAK3 (Janus kinase 3; minus strand). Cytogenetic location: 19p13.11.
Variant type: Deletion.
Coding change: c.664_670del on transcript NM_000215.4 (MANE Select); coding-DNA positions 664 to 670, 7 bases deleted (CGCCGCG; older notation c.664_670delCGCCGCG).
Protein change: p.Arg222fs; shifts the reading frame from arginine 222.
Molecular consequence: frameshift variant.
Genome position (GRCh38, 1-based): chr19:17,842,507-17,842,513, CGCGGCG deleted on the plus strand (CGCCGCG on the coding strand, the reverse complement: JAK3 is on the minus strand); deleting any 7 consecutive bases within chr19:17,842,507-17,842,514 gives the same sequence; the c. name uses the placement nearest the transcript's 3' end. VCF-style (leftmost placement, unchanged base first): chr19-17842506-ACGCGGCG-A. GRCh37 (hg19) VCF-style: chr19-17953315-ACGCGGCG-A.
Other names: short protein forms R222fs.
Identifiers: ClinVar variation 2767886 (VCV002767886.3), dbSNP rs2514575779, ClinGen allele CA2697556403.